The following is an entry in ClinVar:

NM_004360.5(CDH1):c.2550C>T (p.Ser850=)

Gene: CDH1 (cadherin 1; plus strand). Cytogenetic location: 16q22.1.
Variant type: single nucleotide variant.
Coding change: c.2550C>T on transcript NM_004360.5 (MANE Select); coding-DNA position 2550, C replaced by T.
Protein change: p.Ser850=; no amino-acid change (serine 850 retained).
Molecular consequence: synonymous variant.
Genome position (GRCh38, 1-based): chr16:68,833,400, C>T. VCF-style: chr16-68833400-C-T. GRCh37 (hg19) VCF-style: chr16-68867303-C-T.
Other names: c.2367C>T, p.Ser789= (NM_001317184.2); c.2550C>T (LRG_301t1); c.1002C>T, p.Ser334= (NM_001317185.2); c.585C>T, p.Ser195= (NM_001317186.2).
Identifiers: ClinVar variation 485477 (VCV000485477.6), dbSNP rs1057521295, ClinGen allele CA496393140.
Genomic context (GRCh38, chr16:68,833,400, plus strand): 5'-GCTCGTGTTTGACTATGAAGGAAGCGGTTCCGAAGCTGCTAGTCTGAGCTCCCTGAACTC[C>T]TCAGAGTCAGACAAAGACCAGGACTATGACTACTTGAACGAATGGGGCAATCGCTTCAAG-3'
Protein context (NP_004351.1, residues 840-860): SEAASLSSLN[Ser850=]SESDKDQDYD

ClinVar aggregate classification (germline): Benign/Likely benign. Review status: criteria provided, multiple submitters, no conflicts (2 of 4 stars). 2 submissions from 2 submitters: Benign (1); Likely benign (1). Last evaluated 2024-09-24.

Conditions:
Hereditary cancer-predisposing syndrome. Also called: Hereditary neoplastic syndrome; Neoplastic Syndromes, Hereditary; Tumor predisposition; Hereditary Cancer Syndrome. Identifiers: Orphanet 140162, MedGen C0027672, MeSH D009386, MONDO:0015356.
Hereditary diffuse gastric adenocarcinoma (HDGC). Also called: DIFFUSE GASTRIC AND LOBULAR BREAST CANCER SYNDROME. Identifiers: Orphanet 26106, MedGen C1708349, MONDO:0007648, OMIM 137215.

Allele frequency attached by ClinVar (database versions not stated): gnomAD exomes below 0.00001.
gnomAD v4.1: 4 of 1,614,150 alleles (0.00025%); highest among the groups gnomAD compares: Non-Finnish European, 0.00034%; no homozygotes.

Submissions (2):

Myriad Genetics, Inc.
Classification: Benign for Hereditary diffuse gastric adenocarcinoma. Last evaluated: 2024-09-24. Review status: criteria provided, single submitter. Criteria: Myriad Autosomal Dominant, Autosomal Recessive and X-Linked Classification Criteria (2023). Collection method: clinical testing. Allele origin: unknown.
Comment: This variant is considered benign. This variant is a silent/synonymous amino acid change and it is not expected to impact splicing.

Ambry Genetics
Classification: Likely benign for Hereditary cancer-predisposing syndrome. Last evaluated: 2016-10-04. Review status: criteria provided, single submitter. Criteria: Ambry Variant Classification Scheme 2023. Collection method: clinical testing. Allele origin: germline.